The following is an entry in ClinVar:

ClinVar aggregate classification (germline): Uncertain significance (1 of 4 stars; one submission).

gnomAD v4.1: 6 of 1,614,108 alleles (0.00037%); highest among the groups gnomAD compares: Non-Finnish European, 0.00042%; no homozygotes.

Submission:

Labcorp Genetics (formerly Invitae), Labcorp
Classification: Uncertain significance. Last evaluated: 2024-01-24. Review status: criteria provided, single submitter. Criteria: Invitae Variant Classification Sherloc (09022015). Collection method: clinical testing. Allele origin: germline.
Comment: This sequence change replaces glycine, which is neutral and non-polar, with aspartic acid, which is acidic and polar, at codon 262 of the PLEKHG2 protein (p.Gly262Asp). This variant is not present in population databases (gnomAD no frequency). This variant has not been reported in the literature in individuals affected with PLEKHG2-related conditions. ClinVar contains an entry for this variant (Variation ID: 1521612). An algorithm developed to predict the effect of missense changes on protein structure and function (PolyPhen-2) suggests that this variant is likely to be disruptive. In summary, the available evidence is currently insufficient to determine the role of this variant in disease. Therefore, it has been classified as a Variant of Uncertain Significance.

NM_022835.3(PLEKHG2):c.785G>A (p.Gly262Asp)

Gene: PLEKHG2 (pleckstrin homology and RhoGEF domain containing G2; plus strand). Cytogenetic location: 19q13.2.
Variant type: single nucleotide variant.
Coding change: c.785G>A on transcript NM_022835.3 (MANE Select); coding-DNA position 785, G replaced by A.
Protein change: p.Gly262Asp; replaces glycine 262 with aspartic acid.
Molecular consequence: missense variant.
Genome position (GRCh38, 1-based): chr19:39,417,595, G>A. VCF-style: chr19-39417595-G-A. GRCh37 (hg19) VCF-style: chr19-39908235-G-A.
Other names: c.608G>A, p.Gly203Asp (NM_001351693.2); c.785G>A, p.Gly262Asp (NM_001351694.2); short protein forms G262D, G203D.
Identifiers: ClinVar variation 1521612 (VCV001521612.6), dbSNP rs766028297, ClinGen allele CA405791091.